The following is an entry in ClinVar:

NM_001256071.3(RNF213):c.7328C>T (p.Ala2443Val)

Gene: RNF213 (ring finger protein 213; plus strand). Cytogenetic location: 17q25.3.
Variant type: single nucleotide variant.
Coding change: c.7328C>T on transcript NM_001256071.3 (MANE Select); coding-DNA position 7328, C replaced by T.
Protein change: p.Ala2443Val; replaces alanine 2443 with valine.
Molecular consequence: missense variant.
Genome position (GRCh38, 1-based): chr17:80,345,663, C>T. VCF-style: chr17-80345663-C-T. GRCh37 (hg19) VCF-style: chr17-78319463-C-T.
Other names: c.7328C>T (NM_001256071.2); c.7475C>T, p.Ala2492Val (NM_001410195.1, NM_020914.5); short protein forms A2443V, A2492V.
Identifiers: ClinVar variation 2719033 (VCV002719033.4), dbSNP rs143208661, ClinGen allele CA8820727.

ClinVar aggregate classification (germline): Benign/Likely benign. Review status: criteria provided, multiple submitters, no conflicts (2 of 4 stars). 2 submissions from 2 submitters: Benign (1); Likely benign (1). Last evaluated 2026-01-13.

Conditions:
RNF213-related disorder. Also called: RNF213-related condition.

Allele frequency attached by ClinVar (database versions not stated): gnomAD 0.00110; ESP Exome Variant Server 0.00131; 1000 Genomes Project 30x 0.00141; 1000 Genomes Project 0.00160; gnomAD exomes 0.00009; ExAC 0.00040; TOPMed 0.00108.
gnomAD v4.1: 308 of 1,614,216 alleles (0.019%); highest among the groups gnomAD compares: African/African-American, 0.38%; 1 homozygote.

Submissions (2):

PreventionGenetics, part of Exact Sciences
Classification: Likely benign for RNF213-related condition. Last evaluated: 2026-01-13. Review status: criteria provided, single submitter. Criteria: ACMG Guidelines, 2015. Collection method: clinical testing. Allele origin: germline.
Comment: This variant is classified as likely benign based on ACMG/AMP sequence variant interpretation guidelines (Richards et al. 2015 PMID: 25741868, with internal and published modifications).

Labcorp Genetics (formerly Invitae), Labcorp
Classification: Benign. Last evaluated: 2025-09-29. Review status: criteria provided, single submitter. Criteria: Invitae Variant Classification Sherloc (09022015). Collection method: clinical testing. Allele origin: germline.